The following is an entry in ClinVar:

NM_001366145.2(TRPM3):c.2234C>T (p.Ala745Val)

Gene: TRPM3 (transient receptor potential cation channel subfamily M member 3; minus strand). Cytogenetic location: 9q21.12.
Variant type: single nucleotide variant.
Coding change: c.2234C>T on transcript NM_001366145.2 (MANE Select); coding-DNA position 2234, C replaced by T.
Protein change: p.Ala745Val; replaces alanine 745 with valine.
Molecular consequence: missense variant.
Genome position (GRCh38, 1-based): chr9:70,618,991, G>A on the plus strand (C>T on the coding strand, the complement: TRPM3 is on the minus strand). VCF-style: chr9-70618991-G-A. GRCh37 (hg19) VCF-style: chr9-73233907-G-A.
Other names: c.2198C>T, p.Ala733Val (NM_001007471.4, NM_001366151.2); c.2204C>T, p.Ala735Val (NM_001366141.2, NM_001366143.2, NM_001366149.2); c.2240C>T, p.Ala747Val (NM_001366142.2); c.2234C>T, p.Ala745Val (NM_001366146.2); c.2309C>T, p.Ala770Val (NM_001366147.2, NM_001366152.2); c.2279C>T, p.Ala760Val (NM_001366148.2); c.2168C>T, p.Ala723Val (NM_001366150.2); c.1775C>T, p.Ala592Val (NM_001366154.2, NM_024971.7); and 5 more; short protein forms A570V, A580V, A582V, A592V, A595V, A605V, A723V, A733V.
Identifiers: ClinVar variation 1333407 (VCV001333407.1), dbSNP rs149734399, ClinGen allele CA373558256.

ClinVar aggregate classification (germline): Uncertain significance (1 of 4 stars; one submission).

Conditions:
TRPM3 related neruodevelopmental disorder.

Submission:

3billion
Classification: Uncertain significance for TRPM3 related neruodevelopmental disorder. Last evaluated: 2022-01-03. Review status: criteria provided, single submitter. Criteria: ACMG Guidelines, 2015. Collection method: clinical testing. Allele origin: germline. Affected: yes. Observed: 1 heterozygote.
Comment: The variant not observed in the gnomAD v2.1.1 dataset (PM2_M). In silico tool predictions suggest damaging effect of the variant on gene or gene product (3CNET: 0.813, PP3_P). A missense variant is a common mechanism associated with TRPM3-related intellectual disabilities with epilepsy (PP2_P). Therefore, this variant is classified as uncertain significance according to the recommendation of ACMG/AMP guideline.